The following is an entry in ClinVar:

ClinVar aggregate classification (germline): Likely benign. Review status: criteria provided, multiple submitters, no conflicts (2 of 4 stars). 3 submissions from 3 submitters: Likely benign (3). Last evaluated 2025-05-29.

Conditions:
Costello syndrome (CSTLO). Also called: FCS SYNDROME; FACIOCUTANEOSKELETAL SYNDROME; HRAS-Related Costello Syndrome. Identifiers: Orphanet 3071, MedGen C0587248, MONDO:0009026, OMIM 218040.

Allele frequency attached by ClinVar (database versions not stated): TOPMed below 0.00001; gnomAD 0.00001.
gnomAD v4.1: 6 of 1,612,160 alleles (0.00037%); highest among the groups gnomAD compares: Non-Finnish European, 0.00051%; no homozygotes.

Submissions (3):

Labcorp Genetics (formerly Invitae), Labcorp
Classification: Likely benign for Costello syndrome. Last evaluated: 2025-05-29. Review status: criteria provided, single submitter. Criteria: Invitae Variant Classification Sherloc (09022015). Collection method: clinical testing. Allele origin: germline.

Blueprint Genetics
Classification: Likely benign. Last evaluated: 2024-03-01. Review status: criteria provided, single submitter. Criteria: ACMG Guidelines, 2015. Collection method: clinical testing. Allele origin: germline.

GeneDx
Classification: Likely benign. Last evaluated: 2016-04-14. Review status: criteria provided, single submitter. Criteria: GeneDx Variant Classification (06012015). Collection method: clinical testing. Allele origin: germline. Affected: yes.
Comment: This variant is considered likely benign or benign based on one or more of the following criteria: it is a conservative change, it occurs at a poorly conserved position in the protein, it is predicted to be benign by multiple in silico algorithms, and/or has population frequency not consistent with disease.

NM_005343.4(HRAS):c.450+18C>T

Genes: LRRC56 (leucine rich repeat containing 56; plus strand), HRAS (HRas proto-oncogene, GTPase; minus strand). Cytogenetic location: 11p15.5.
Variant type: single nucleotide variant.
Coding change: c.450+18C>T on transcript NM_005343.4 (MANE Select); 18 bases into the intron after coding-DNA position 450, C replaced by T.
Molecular consequence: intron variant.
Genome position (GRCh38, 1-based): chr11:533,435, G>A on the plus strand (C>T on the coding strand, the complement: HRAS is on the minus strand). VCF-style: chr11-533435-G-A. GRCh37 (hg19) VCF-style: chr11-533435-G-A.
Other names: c.450+18C>T (NM_001130442.3, NM_176795.5); c.131+18C>T (NM_001318054.2).
Identifiers: ClinVar variation 385544 (VCV000385544.10), dbSNP rs1057522255, ClinGen allele CA16605949.
Genomic context (GRCh38, chr11:533,435, plus strand): 5'-GGTCAGTGAGTGCTGCTCCCTGGCTGGGGCGGGGCGGGGCGGGTCCCTGGCTAGCTGTGG[G>A]GTGGAGAGCTGCCTCACCTGCCGGGTCTTGGCCGAGGTCTCGATGTAGGGGATGCCGTAG-3'